The following is an entry in ClinVar:

NM_000552.5(VWF):c.4504G>T (p.Val1502Phe)

Gene: VWF (von Willebrand factor; minus strand). Cytogenetic location: 12p13.31.
Variant type: single nucleotide variant.
Coding change: c.4504G>T on transcript NM_000552.5 (MANE Select); coding-DNA position 4504, G replaced by T.
Protein change: p.Val1502Phe; replaces valine 1502 with phenylalanine.
Molecular consequence: missense variant.
Genome position (GRCh38, 1-based): chr12:6,018,914, C>A on the plus strand (G>T on the coding strand, the complement: VWF is on the minus strand). VCF-style: chr12-6018914-C-A. GRCh37 (hg19) VCF-style: chr12-6128080-C-A.
Other names: short protein forms V1502F.
Identifiers: ClinVar variation 3572168 (VCV003572168.1).

ClinVar aggregate classification (germline): Uncertain significance (1 of 4 stars; one submission).

Submission:

Quest Diagnostics Nichols Institute San Juan Capistrano
Classification: Uncertain significance. Last evaluated: 2024-06-27. Review status: criteria provided, single submitter. Criteria: Quest Diagnostics criteria. Collection method: clinical testing. Allele origin: unknown.
Comment: The VWF c.4504G>T (p.Val1502Phe) variant has not been reported in individuals with VWF-related conditions in the published literature. It also has not been reported in large, multi-ethnic general populations (Genome Aggregation Database). Analysis of this variant using bioinformatics tools for the prediction of the effect of amino acid changes on protein structure and function yielded predictions that this variant is damaging. Based on the available information, we are unable to determine the clinical significance of this variant.